The following is an entry in ClinVar:

NM_006660.5(CLPX):c.893G>A (p.Gly298Asp)

Gene: CLPX (caseinolytic mitochondrial matrix peptidase chaperone subunit X; minus strand). Cytogenetic location: 15q22.31.
Variant type: single nucleotide variant.
Coding change: c.893G>A on transcript NM_006660.5 (MANE Select); coding-DNA position 893, G replaced by A.
Protein change: p.Gly298Asp; replaces glycine 298 with aspartic acid.
Molecular consequence: missense variant. On other transcripts: non-coding transcript variant (1).
Genome position (GRCh38, 1-based): chr15:65,157,910, C>T on the plus strand (G>A on the coding strand, the complement: CLPX is on the minus strand). VCF-style: chr15-65157910-C-T. GRCh37 (hg19) VCF-style: chr15-65450248-C-T.
Other names: short protein forms G298D.
Identifiers: ClinVar variation 545573 (VCV000545573.1), dbSNP rs1555412542, ClinGen allele CA392873455.

ClinVar aggregate classification (germline): Likely pathogenic. Review status: criteria provided, single submitter (1 of 4 stars). 2 submissions from 2 submitters: Likely pathogenic (1). 1 of the submissions does not count toward it. Last evaluated 2018-10-15.

Conditions:
Protoporphyria, erythropoietic, 2 (EPP2). Identifiers: MedGen C4693947, MONDO:0060729, OMIM 618015.

Submissions (2):

SIB Swiss Institute of Bioinformatics
Classification: Likely pathogenic for Protoporphyria, erythropoietic, 2. Last evaluated: 2018-10-15. Review status: criteria provided, single submitter. Criteria: ACMG Guidelines, 2015. Collection method: curation. Allele origin: unknown.
Comment: This variant is interpreted as Likely Pathogenic, for Protoporphyria, erythropoietic, 2, autosomal dominant. The following ACMG Tag(s) were applied: PM2 => Absent from controls (or at extremely low frequency if recessive) in Exome Sequencing Project, 1000 Genomes Project, or Exome Aggregation Consortium. PP3 => Multiple lines of computational evidence support a deleterious effect on the gene or gene product. PM1 => Located in a mutational hot spot and/or critical and well-established functional domain (e.g., active site of an enzyme) without benign variation. PS3 => Well-established functional studies show a deleterious effect (PubMed 28874591).

OMIM
Classification: Pathogenic for PROTOPORPHYRIA, ERYTHROPOIETIC, 2 (1 family). Last evaluated: 2018-06-19. Review status: no assertion criteria provided. Collection method: literature only. Allele origin: germline. Not counted in ClinVar's aggregate classification.

Literature cited by the submitters: PubMed 28874591 (cited by SIB Swiss Institute of Bioinformatics and OMIM).